The following is an entry in ClinVar:

NM_173543.3(DZIP1L):c.1570C>T (p.Gln524Ter)

Gene: DZIP1L (DAZ interacting zinc finger protein 1 like; minus strand). Cytogenetic location: 3q22.3.
Variant type: single nucleotide variant.
Coding change: c.1570C>T on transcript NM_173543.3 (MANE Select); coding-DNA position 1570, C replaced by T.
Protein change: p.Gln524Ter; replaces glutamine 524 with a stop codon.
Molecular consequence: nonsense.
Genome position (GRCh38, 1-based): chr3:138,071,688, G>A on the plus strand (C>T on the coding strand, the complement: DZIP1L is on the minus strand). VCF-style: chr3-138071688-G-A. GRCh37 (hg19) VCF-style: chr3-137790530-G-A.
Other names: c.1570C>T, p.Gln524Ter (NM_001170538.1); short protein forms Q524*.
Identifiers: ClinVar variation 3254571 (VCV003254571.3), dbSNP rs929750748.
Genomic context (GRCh38, chr3:138,071,688, plus strand): 5'-CTCTCCCCAGTGTACCTGAAGGCTGCCCGTCTGGCTGGGACACCACAGCGCCATTCTCCT[G>A]TCTCTCCTTCGCTCTGCTGGTGACTTCCTTGACAAGCTTTCCCCTCAGACTCAGAAATTC-3'

ClinVar aggregate classification (germline): Likely pathogenic (1 of 4 stars; one submission).

Conditions:
Polycystic kidney disease 5. Identifiers: MedGen C4539903, MONDO:0033281, OMIM 617610.

gnomAD v4.1: 1 of 1,614,178 alleles (0.000062%); highest among the groups gnomAD compares: Admixed American, 0.0017%; no homozygotes.

Submission:

Victorian Clinical Genetics Services, Murdoch Childrens Research Institute
Classification: Likely pathogenic for Polycystic kidney disease 5. Last evaluated: 2025-01-14. Review status: criteria provided, single submitter. Criteria: ACMG Guidelines, 2015. Collection method: clinical testing. Allele origin: germline. Affected: yes.
Comment: This variant is classified as Likely pathogenic. Evidence in support of pathogenic classification: Variant is predicted to cause nonsense-mediated decay (NMD) and loss of protein (premature termination codon is located at least 54 nucleotides upstream of the final exon-exon junction); Variant is present in gnomAD (v2) <0.01 for a recessive condition (1 heterozygote, 0 homozygotes); Other NMD-predicted variants comparable to the one identified in this case have moderate previous evidence for pathogenicity. These variants have been reported as both VUS and as likely pathogenic or pathogenic, with minimal clinical information provided (ClinVar). In addition, these variants have been reported in two homozygous individuals with polycystic kidney disease (PMID: 28530676). Additional information: This gene is associated with autosomal recessive disease; This variant has no previous evidence of pathogenicity; No published segregation evidence has been identified for this variant; No published functional evidence has been identified for this variant; Loss of function is a likely mechanism of disease in this gene and is associated with polycystic kidney disease 5 (MIM#617610); Inheritance information for this variant is not currently available in this individual.

Literature cited by the submitters: PubMed 28530676.